The following is an entry in ClinVar:

NM_001080508.3(TBX18):c.821G>T (p.Arg274Leu)

Gene: TBX18 (T-box transcription factor 18; minus strand). Cytogenetic location: 6q14.3.
Variant type: single nucleotide variant.
Coding change: c.821G>T on transcript NM_001080508.3 (MANE Select); coding-DNA position 821, G replaced by T.
Protein change: p.Arg274Leu; replaces arginine 274 with leucine.
Molecular consequence: missense variant.
Genome position (GRCh38, 1-based): chr6:84,748,038, C>A on the plus strand (G>T on the coding strand, the complement: TBX18 is on the minus strand). VCF-style: chr6-84748038-C-A. GRCh37 (hg19) VCF-style: chr6-85457756-C-A.
Other names: short protein forms R274L.
Identifiers: ClinVar variation 2886379 (VCV002886379.4), dbSNP rs200317774, ClinGen allele CA3910992.

ClinVar aggregate classification (germline): Uncertain significance (1 of 4 stars; one submission).

Submission:

Labcorp Genetics (formerly Invitae), Labcorp
Classification: Uncertain significance. Last evaluated: 2023-11-10. Review status: criteria provided, single submitter. Criteria: Invitae Variant Classification Sherloc (09022015). Collection method: clinical testing. Allele origin: germline.
Comment: This sequence change replaces arginine, which is basic and polar, with leucine, which is neutral and non-polar, at codon 274 of the TBX18 protein (p.Arg274Leu). This variant is present in population databases (rs200317774, gnomAD 0.01%). This missense change has been observed in individual(s) with congenital anomalies of the kidneys and urinary tract (PMID: 34906515). Advanced modeling of protein sequence and biophysical properties (such as structural, functional, and spatial information, amino acid conservation, physicochemical variation, residue mobility, and thermodynamic stability) performed at Invitae indicates that this missense variant is not expected to disrupt TBX18 protein function with a negative predictive value of 80%. In summary, the available evidence is currently insufficient to determine the role of this variant in disease. Therefore, it has been classified as a Variant of Uncertain Significance.

Literature cited by the submitters: PubMed 34906515.